The following is an entry in ClinVar:

NM_213599.3(ANO5):c.53A>G (p.Asn18Ser)

Gene: ANO5 (anoctamin 5; plus strand). Cytogenetic location: 11p14.3.
Variant type: single nucleotide variant.
Coding change: c.53A>G on transcript NM_213599.3 (MANE Select); coding-DNA position 53, A replaced by G.
Protein change: p.Asn18Ser; replaces asparagine 18 with serine.
Molecular consequence: missense variant.
Genome position (GRCh38, 1-based): chr11:22,203,816, A>G. VCF-style: chr11-22203816-A-G. GRCh37 (hg19) VCF-style: chr11-22225362-A-G.
Other names: c.53A>G, p.Asn18Ser (NM_001142649.2); short protein forms N18S.
Identifiers: ClinVar variation 583189 (VCV000583189.11), dbSNP rs1010958758, ClinGen allele CA218763370.

ClinVar aggregate classification (germline): Conflicting classifications of pathogenicity. Review status: criteria provided, conflicting classifications (1 of 4 stars). 3 submissions from 3 submitters: Uncertain significance (2); Likely benign (1). Last evaluated 2026-01-12.

Conditions:
ANO5-related disorder. Also called: ANO5-related disorders; ANO5-related condition. Identifiers: MedGen CN239193.
Gnathodiaphyseal dysplasia (GDD). Also called: GNATHODIAPHYSEAL SCLEROSIS; OSTEOGENESIS IMPERFECTA WITH UNUSUAL SKELETAL LESIONS. Identifiers: Orphanet 53697, MedGen C1833736, MONDO:0008151, OMIM 166260.
Autosomal recessive limb-girdle muscular dystrophy type 2L (LGMDR12). Also called: MUSCULAR DYSTROPHY, LIMB-GIRDLE, AUTOSOMAL RECESSIVE 12; Limb-girdle muscular dystrophy, type 2L; Limb-Girdle Muscular Dystrophy R12 Anoctamin-5-Related (LGMD-R12). Identifiers: Orphanet 206549, MedGen C1969785, MONDO:0012652, OMIM 611307.
Inborn genetic diseases. Identifiers: MedGen C0950123, MeSH D030342.

Allele frequency attached by ClinVar (database versions not stated): gnomAD 0.00002; gnomAD exomes 0.00002 and 0.00006; TOPMed 0.00004.
gnomAD v4.1: 81 of 1,473,542 alleles (0.0055%); highest among the groups gnomAD compares: Non-Finnish European, 0.0074%; no homozygotes.

Submissions (3):

Labcorp Genetics (formerly Invitae), Labcorp
Classification: Uncertain significance for Autosomal recessive limb-girdle muscular dystrophy type 2L; Gnathodiaphyseal dysplasia. Last evaluated: 2026-01-12. Review status: criteria provided, single submitter. Criteria: Invitae Variant Classification Sherloc (09022015). Collection method: clinical testing. Allele origin: germline.
Comment: This sequence change replaces asparagine, which is neutral and polar, with serine, which is neutral and polar, at codon 18 of the ANO5 protein (p.Asn18Ser). This variant is present in population databases (no rsID available, gnomAD 0.005%). This variant has not been reported in the literature in individuals affected with ANO5-related conditions. ClinVar contains an entry for this variant (Variation ID: 583189). Invitae Evidence Modeling of protein sequence and biophysical properties (such as structural, functional, and spatial information, amino acid conservation, physicochemical variation, residue mobility, and thermodynamic stability) indicates that this missense variant is not expected to disrupt ANO5 protein function with a negative predictive value of 95%. In summary, the available evidence is currently insufficient to determine the role of this variant in disease. Therefore, it has been classified as a Variant of Uncertain Significance.

PreventionGenetics, part of Exact Sciences
Classification: Uncertain significance for ANO5-related condition. Last evaluated: 2022-11-22. Review status: criteria provided, single submitter. Criteria: ACMG Guidelines, 2015. Collection method: clinical testing. Allele origin: germline.
Comment: The ANO5 c.53A>G variant is predicted to result in the amino acid substitution p.Asn18Ser. To our knowledge, this variant has not been reported in the literature. This variant is reported in 0.0047% of alleles in individuals of European (Non-Finnish) descent in gnomAD. At this time, the clinical significance of this variant is uncertain due to the absence of conclusive functional and genetic evidence.

Ambry Genetics
Classification: Likely benign for Inborn genetic diseases. Last evaluated: 2022-08-16. Review status: criteria provided, single submitter. Criteria: Ambry Variant Classification Scheme 2023. Collection method: clinical testing. Allele origin: germline.